The following is an entry in ClinVar:

NM_001042603.3(KDM5A):c.4992_4999del (p.Val1665fs)

Gene: KDM5A (lysine demethylase 5A; minus strand). Cytogenetic location: 12p13.33.
Variant type: Deletion.
Coding change: c.4992_4999del on transcript NM_001042603.3 (MANE Select); coding-DNA positions 4992 to 4999, 8 bases deleted (AGTTAGCC; older notation c.4992_4999delAGTTAGCC).
Protein change: p.Val1665fs; shifts the reading frame from valine 1665.
Molecular consequence: frameshift variant.
Genome position (GRCh38, 1-based): chr12:285,530-285,537, GGCTAACT deleted on the plus strand (AGTTAGCC on the coding strand, the reverse complement: KDM5A is on the minus strand); deleting any 8 consecutive bases within chr12:285,530-285,540 gives the same sequence; the c. name uses the placement nearest the transcript's 3' end. VCF-style (leftmost placement, unchanged base first): chr12-285529-GGGCTAACT-G. GRCh37 (hg19) VCF-style: chr12-394695-GGGCTAACT-G.
Other names: short protein forms V1665fs.
Identifiers: ClinVar variation 4884103 (VCV004884103.2).

ClinVar aggregate classification (germline): Uncertain significance (1 of 4 stars; one submission).

Conditions:
KDM5A-related intellectual developmental disorder.

Submission:

Dasa
Classification: Uncertain significance for KDM5A-related intellectual developmental disorder. Last evaluated: 2025-10-06. Review status: criteria provided, single submitter. Criteria: DASA Assertion Criteria. Collection method: clinical testing. Allele origin: germline.
Comment: NM_001042603.3(KDM5A):c.4992_4999del (p.Val1665Argfs*20) is a frameshift variant in KDM5A predicted to alter the reading frame and introduce a premature termination codon. Published studies describe this variant in association with related phenotype (PMID: 33350388). Also, this variant is absent from population databases. The currently available literature and clinical evidence are not sufficient to establish a definitive association between this variant and the reported condition. Therefore, this variant is classified as a variant of uncertain significance.

Literature cited by the submitters: PubMed 33350388.